The following is an entry in ClinVar:

ClinVar aggregate classification (germline): Uncertain significance (1 of 4 stars; one submission).

Submission:

Labcorp Genetics (formerly Invitae), Labcorp
Classification: Uncertain significance. Last evaluated: 2024-04-04. Review status: criteria provided, single submitter. Criteria: Invitae Variant Classification Sherloc (09022015). Collection method: clinical testing. Allele origin: germline.
Comment: This sequence change replaces proline, which is neutral and non-polar, with leucine, which is neutral and non-polar, at codon 165 of the C1QB protein (p.Pro165Leu). This variant is not present in population databases (gnomAD no frequency). This variant has not been reported in the literature in individuals affected with C1QB-related conditions. Advanced modeling of protein sequence and biophysical properties (such as structural, functional, and spatial information, amino acid conservation, physicochemical variation, residue mobility, and thermodynamic stability) performed at Invitae indicates that this missense variant is expected to disrupt C1QB protein function with a positive predictive value of 80%. In summary, the available evidence is currently insufficient to determine the role of this variant in disease. Therefore, it has been classified as a Variant of Uncertain Significance.

NM_001378156.1(C1QB):c.488C>T (p.Pro163Leu)

Gene: C1QB (complement C1q B chain; plus strand). Cytogenetic location: 1p36.12.
Variant type: single nucleotide variant.
Coding change: c.488C>T on transcript NM_001378156.1 (MANE Select); coding-DNA position 488, C replaced by T.
Protein change: p.Pro163Leu; replaces proline 163 with leucine.
Molecular consequence: missense variant.
Genome position (GRCh38, 1-based): chr1:22,661,118, C>T. VCF-style: chr1-22661118-C-T. GRCh37 (hg19) VCF-style: chr1-22987611-C-T.
Other names: c.494C>T, p.Pro165Leu (NM_000491.5); c.488C>T, p.Pro163Leu (NM_001371184.3); short protein forms P163L, P165L.
Identifiers: ClinVar variation 3682856 (VCV003682856.2).